The following is an entry in ClinVar:

ClinVar aggregate classification (germline): Uncertain significance. Review status: criteria provided, multiple submitters, no conflicts (2 of 4 stars). 2 submissions from 2 submitters: Uncertain significance (2). Last evaluated 2025-11-01.

Conditions:
Hereditary cancer-predisposing syndrome. Also called: Neoplastic Syndromes, Hereditary; Tumor predisposition; Hereditary Cancer Syndrome; Hereditary neoplastic syndrome. Identifiers: Orphanet 140162, MedGen C0027672, MeSH D009386, MONDO:0015356.
Gastrointestinal stromal tumor. Also called: Gastrointestinal stromal tumor, somatic; Gastrointestinal stroma tumor. Identifiers: Orphanet 44890, MedGen C0238198, MeSH D046152, MONDO:0011719, OMIM 606764, HP:0100723.

Submissions (2):

Labcorp Genetics (formerly Invitae), Labcorp
Classification: Uncertain significance for Gastrointestinal stromal tumor. Last evaluated: 2025-11-01. Review status: criteria provided, single submitter. Criteria: Invitae Variant Classification Sherloc (09022015). Collection method: clinical testing. Allele origin: germline.
Comment: This sequence change replaces glutamic acid, which is acidic and polar, with lysine, which is basic and polar, at codon 358 of the PDGFRA protein (p.Glu358Lys). This variant is not present in population databases (gnomAD no frequency). This variant has not been reported in the literature in individuals affected with PDGFRA-related conditions. ClinVar contains an entry for this variant (Variation ID: 1783936). Invitae Evidence Modeling of protein sequence and biophysical properties (such as structural, functional, and spatial information, amino acid conservation, physicochemical variation, residue mobility, and thermodynamic stability) indicates that this missense variant is not expected to disrupt PDGFRA protein function with a negative predictive value of 80%. In summary, the available evidence is currently insufficient to determine the role of this variant in disease. Therefore, it has been classified as a Variant of Uncertain Significance.

Ambry Genetics
Classification: Uncertain significance for Hereditary cancer-predisposing syndrome. Last evaluated: 2022-01-27. Review status: criteria provided, single submitter. Criteria: Ambry Variant Classification Scheme 2023. Collection method: clinical testing. Allele origin: germline.
Comment: The p.E358K variant (also known as c.1072G>A), located in coding exon 6 of the PDGFRA gene, results from a G to A substitution at nucleotide position 1072. The glutamic acid at codon 358 is replaced by lysine, an amino acid with similar properties. This amino acid position is conserved. In addition, this alteration is predicted to be tolerated by in silico analysis. Since supporting evidence is limited at this time, the clinical significance of this alteration remains unclear.

NM_006206.6(PDGFRA):c.1072G>A (p.Glu358Lys)

Gene: PDGFRA (platelet derived growth factor receptor alpha; plus strand). Cytogenetic location: 4q12.
Variant type: single nucleotide variant.
Coding change: c.1072G>A on transcript NM_006206.6 (MANE Select); coding-DNA position 1072, G replaced by A.
Protein change: p.Glu358Lys; replaces glutamic acid 358 with lysine.
Molecular consequence: missense variant.
Genome position (GRCh38, 1-based): chr4:54,267,692, G>A. VCF-style: chr4-54267692-G-A. GRCh37 (hg19) VCF-style: chr4-55133859-G-A.
Other names: c.1072G>A, p.Glu358Lys (NM_001347827.2, NM_001347829.2); c.1147G>A, p.Glu383Lys (NM_001347828.2); c.1111G>A, p.Glu371Lys (NM_001347830.2); short protein forms E371K, E383K, E358K.
Identifiers: ClinVar variation 1783936 (VCV001783936.3), dbSNP rs2110267462, ClinGen allele CA356891733.